The following is an entry in ClinVar:

ClinVar aggregate classification (germline): Uncertain significance (1 of 4 stars; one submission).

Allele frequency attached by ClinVar (database versions not stated): gnomAD exomes below 0.00001; TOPMed 0.00001; ExAC 0.00002.
gnomAD v4.1: 6 of 1,610,680 alleles (0.00037%); highest among the groups gnomAD compares: Non-Finnish European, 0.00017%; no homozygotes.

Submission:

Labcorp Genetics (formerly Invitae), Labcorp
Classification: Uncertain significance. Last evaluated: 2022-10-05. Review status: criteria provided, single submitter. Criteria: Invitae Variant Classification Sherloc (09022015). Collection method: clinical testing. Allele origin: germline.
Comment: In summary, the available evidence is currently insufficient to determine the role of this variant in disease. Therefore, it has been classified as a Variant of Uncertain Significance. Algorithms developed to predict the effect of missense changes on protein structure and function are either unavailable or do not agree on the potential impact of this missense change (SIFT: "Tolerated"; PolyPhen-2: "Probably Damaging"; Align-GVGD: "Class C0"). This variant has not been reported in the literature in individuals affected with SIN3A-related conditions. This variant is present in population databases (rs749564136, gnomAD 0.0009%). This sequence change replaces arginine, which is basic and polar, with histidine, which is basic and polar, at codon 4 of the SIN3A protein (p.Arg4His).

NM_001145358.2(SIN3A):c.11G>A (p.Arg4His)

Gene: SIN3A (SIN3 transcription regulator family member A; minus strand). Cytogenetic location: 15q24.2.
Variant type: single nucleotide variant.
Coding change: c.11G>A on transcript NM_001145358.2 (MANE Select); coding-DNA position 11, G replaced by A.
Protein change: p.Arg4His; replaces arginine 4 with histidine.
Molecular consequence: missense variant.
Genome position (GRCh38, 1-based): chr15:75,430,365, C>T on the plus strand (G>A on the coding strand, the complement: SIN3A is on the minus strand). VCF-style: chr15-75430365-C-T. GRCh37 (hg19) VCF-style: chr15-75722706-C-T.
Other names: c.11G>A, p.Arg4His (NM_001145357.2, NM_015477.3); short protein forms R4H.
Identifiers: ClinVar variation 1940941 (VCV001940941.5), dbSNP rs749564136, ClinGen allele CA7667990.
Genomic context (GRCh38, chr15:75,430,365, plus strand): 5'-GTGCTGCCAGGGATCCGACGCTGCTGGGCTGCATACACCGGTGACTCCTGGTCATCCAAA[C>T]GCCGCTTCATTCTGTGCTCATGCTCAGGGATGCACTACAAAACCTGCAGAAACCAAAAGC-3'
Protein context (NP_001138830.1, residues 1-14): MKR[Arg4His]LDDQESPVYA